The following is an entry in ClinVar:

NM_024496.4(IRF2BPL):c.819A>C (p.Pro273=)

Gene: IRF2BPL (interferon regulatory factor 2 binding protein like; minus strand). Cytogenetic location: 14q24.3.
Variant type: single nucleotide variant.
Coding change: c.819A>C on transcript NM_024496.4 (MANE Select); coding-DNA position 819, A replaced by C.
Protein change: p.Pro273=; no amino-acid change (proline 273 retained).
Molecular consequence: synonymous variant.
Genome position (GRCh38, 1-based): chr14:77,026,974, T>G on the plus strand (A>C on the coding strand, the complement: IRF2BPL is on the minus strand). VCF-style: chr14-77026974-T-G. GRCh37 (hg19) VCF-style: chr14-77493317-T-G.
Identifiers: ClinVar variation 2644395 (VCV002644395.24), dbSNP rs1398802022, ClinGen allele CA487507483.

ClinVar aggregate classification (germline): Likely benign (1 of 4 stars; one submission).

Allele frequency attached by ClinVar (database versions not stated): gnomAD 0.00010.

Submission:

CeGaT Center for Human Genetics Tuebingen
Classification: Likely benign. Last evaluated: 2025-02-01. Review status: criteria provided, single submitter. Criteria: CeGaT Center For Human Genetics Tuebingen Variant Classification Criteria Version 2. Collection method: clinical testing. Allele origin: germline. Affected: yes. Observed: 3 variant alleles.
Comment: IRF2BPL: BP4, BP7